The following is an entry in ClinVar:

NM_002180.3(IGHMBP2):c.*255T>C

Gene: IGHMBP2 (immunoglobulin mu DNA binding protein 2; plus strand). Cytogenetic location: 11q13.3.
Variant type: single nucleotide variant.
Coding change: c.*255T>C on transcript NM_002180.3 (MANE Select); 255 bases downstream of the stop codon, T replaced by C.
Molecular consequence: 3 prime UTR variant.
Genome position (GRCh38, 1-based): chr11:68,939,986, T>C. VCF-style: chr11-68939986-T-C. GRCh37 (hg19) VCF-style: chr11-68707454-T-C.
Identifiers: ClinVar variation 305868 (VCV000305868.7), dbSNP rs564244, ClinGen allele CA10635561.
Genomic context (GRCh38, chr11:68,939,986, plus strand): 5'-CACCTGGGGGACAACAGTGCTCGTGCAGGTGGGGCTTGGGAAATGCACGTCCCTTCCCCT[T>C]ACTCCCCGCCAAAACCCACATCCCAGCCTCTGGATCCTGGGGAAGGTTCCAGTCCCTGGA-3'

ClinVar aggregate classification (germline): Benign. Review status: criteria provided, multiple submitters, no conflicts (2 of 4 stars). 3 submissions from 3 submitters: Benign (3). Last evaluated 2018-06-18.

Conditions:
Autosomal recessive distal spinal muscular atrophy 1. Also called: HMN VI; NEURONOPATHY, SEVERE INFANTILE AXONAL, WITH RESPIRATORY FAILURE; SEVERE INFANTILE AXONAL NEUROPATHY WITH RESPIRATORY FAILURE; SPINAL MUSCULAR ATROPHY, DIAPHRAGMATIC; Spinal muscular atrophy with respiratory distress 1; NEURONOPATHY, DISTAL HEREDITARY MOTOR, HARDING TYPE VI. Identifiers: Orphanet 98920, MedGen C1858517, MONDO:0011436, OMIM 604320.

Allele frequency attached by ClinVar (database versions not stated): 1000 Genomes Project 0.67093; 1000 Genomes Project 30x 0.67255; gnomAD 0.75632 and 0.75917; TOPMed 0.75685; gnomAD exomes 0.79514.
gnomAD v4.1: 409,302 of 522,280 alleles (78%); highest among the groups gnomAD compares: Non-Finnish European, 84%; 163,003 homozygotes.

Submissions (3):

GeneDx
Classification: Benign. Last evaluated: 2018-06-18. Review status: criteria provided, single submitter. Criteria: GeneDx Variant Classification Process June 2021. Collection method: clinical testing. Allele origin: germline. Affected: yes.

Illumina Laboratory Services, Illumina
Classification: Benign for Autosomal recessive distal spinal muscular atrophy 1. Last evaluated: 2018-01-12. Review status: criteria provided, single submitter. Criteria: ICSL Variant Classification Criteria 13 December 2019. Collection method: clinical testing. Allele origin: germline.
Comment: This variant was observed in the ICSL laboratory as part of a predisposition screen in an ostensibly healthy population. It had not been previously curated by ICSL or reported in the Human Gene Mutation Database (HGMD: prior to June 1st, 2018), and was therefore a candidate for classification through an automated scoring system. Utilizing variant allele frequency, disease prevalence and penetrance estimates, and inheritance mode, an automated score was calculated to assess if this variant is too frequent to cause the disease. Based on the score and internal cut-off values, a variant classified as benign is not then subjected to further curation. The score for this variant resulted in a classification of benign for this disease.

Breakthrough Genomics
Classification: Benign. Review status: criteria provided, single submitter. Criteria: ACMG Guidelines, 2015. Collection method: not provided. Allele origin: germline. Inheritance: Autosomal recessive inheritance. Affected: yes.